The following is an entry in ClinVar:

ClinVar aggregate classification (germline): Uncertain significance (1 of 4 stars; one submission).

Conditions:
Glycogen storage disease, type V (GSD5). Also called: McArdle type glycogen storage disease; MUSCLE GLYCOGEN PHOSPHORYLASE DEFICIENCY; MYOPHOSPHORYLASE DEFICIENCY; PYGM DEFICIENCY; MCARDLE DISEASE. Identifiers: Orphanet 368, MedGen C0017924, MONDO:0009293, OMIM 232600.

Submission:

Labcorp Genetics (formerly Invitae), Labcorp
Classification: Uncertain significance for Glycogen storage disease, type V. Last evaluated: 2021-08-12. Review status: criteria provided, single submitter. Criteria: Invitae Variant Classification Sherloc (09022015). Collection method: clinical testing. Allele origin: germline.
Comment: This variant is not present in population databases (ExAC no frequency). This sequence change replaces arginine with proline at codon 278 of the PYGM protein (p.Arg278Pro). The arginine residue is highly conserved and there is a moderate physicochemical difference between arginine and proline. In summary, the available evidence is currently insufficient to determine the role of this variant in disease. Therefore, it has been classified as a Variant of Uncertain Significance. Algorithms developed to predict the effect of missense changes on protein structure and function are either unavailable or do not agree on the potential impact of this missense change (SIFT: "Not Available"; PolyPhen-2: "Probably Damaging"; Align-GVGD: "Not Available"). This variant has not been reported in the literature in individuals affected with PYGM-related conditions.

NM_005609.4(PYGM):c.833G>C (p.Arg278Pro)

Gene: PYGM (glycogen phosphorylase, muscle associated; minus strand). Cytogenetic location: 11q13.1.
Variant type: single nucleotide variant.
Coding change: c.833G>C on transcript NM_005609.4 (MANE Select); coding-DNA position 833, G replaced by C.
Protein change: p.Arg278Pro; replaces arginine 278 with proline.
Molecular consequence: missense variant.
Genome position (GRCh38, 1-based): chr11:64,755,295, C>G on the plus strand (G>C on the coding strand, the complement: PYGM is on the minus strand). VCF-style: chr11-64755295-C-G. GRCh37 (hg19) VCF-style: chr11-64522767-C-G.
Other names: c.569G>C, p.Arg190Pro (NM_001164716.1); short protein forms R190P, R278P.
Identifiers: ClinVar variation 1475781 (VCV001475781.8), dbSNP rs775556109, ClinGen allele CA381179566.
Genomic context (GRCh38, chr11:64,755,295, plus strand): 5'-ACTCAGGCTTCCAGCCCCCAGCCCAGGGGGTGACGCACATTATCATTGGGGTACAGGACA[C>G]GAGAGATGTTCTCCGCCAGGTTTCGGTCCAACACAGCCTGGATGTAGCCACCGACATTGA-3'
Protein context (NP_005600.1, residues 268-288): LDRNLAENIS[Arg278Pro]VLYPNDNFFE